The following is an entry in ClinVar:

ClinVar aggregate classification (germline): Uncertain significance (1 of 4 stars; one submission).

Conditions:
Cardiovascular phenotype. Identifiers: MedGen CN230736.

Allele frequency attached by ClinVar (database versions not stated): gnomAD exomes below 0.00001.
gnomAD v4.1: 3 of 1,614,068 alleles (0.00019%); highest among the groups gnomAD compares: Non-Finnish European, 0.00025%; no homozygotes.

Submission:

Ambry Genetics
Classification: Uncertain significance for Cardiovascular phenotype. Last evaluated: 2023-06-15. Review status: criteria provided, single submitter. Criteria: Ambry Variant Classification Scheme 2023. Collection method: clinical testing. Allele origin: germline.
Comment: The p.R1716T variant (also known as c.5147G>C), located in coding exon 8 of the ALMS1 gene, results from a G to C substitution at nucleotide position 5147. The arginine at codon 1716 is replaced by threonine, an amino acid with similar properties. This amino acid position is not well conserved in available vertebrate species. In addition, this alteration is predicted to be tolerated by in silico analysis. Since supporting evidence is limited at this time, the clinical significance of this alteration remains unclear.

NM_001378454.1(ALMS1):c.5144G>C (p.Arg1715Thr)

Gene: ALMS1 (ALMS1 centrosome and basal body associated protein; plus strand). Cytogenetic location: 2p13.1.
Variant type: single nucleotide variant.
Coding change: c.5144G>C on transcript NM_001378454.1 (MANE Select); coding-DNA position 5144, G replaced by C.
Protein change: p.Arg1715Thr; replaces arginine 1715 with threonine.
Molecular consequence: missense variant.
Genome position (GRCh38, 1-based): chr2:73,451,671, G>C. VCF-style: chr2-73451671-G-C. GRCh37 (hg19) VCF-style: chr2-73678798-G-C.
Other names: c.5147G>C, p.Arg1716Thr (NM_015120.4); short protein forms R1716T, R1715T.
Identifiers: ClinVar variation 2564346 (VCV002564346.3), dbSNP rs2466103994, ClinGen allele CA347280122.
Genomic context (GRCh38, chr2:73,451,671, plus strand): 5'-CTGGACCAGATGCCCAGAAGACTGAGACACCATCAGTATCCTCTAGTTTATACTCATATA[G>C]AGAGAAGCCCATTGTCTTCTACCAACAGGCCCTGCCAGACAGTGAGCTAACTCAAGAAGC-3'
Protein context (NP_001365383.1, residues 1705-1725): PSVSSSLYSY[Arg1715Thr]EKPIVFYQQA